The following is an entry in ClinVar:

ClinVar aggregate classification (germline): Uncertain significance (1 of 4 stars; one submission).

gnomAD v4.1: 50 of 1,611,830 alleles (0.0031%); highest among the groups gnomAD compares: Middle Eastern, 0.016%; no homozygotes.

Submission:

Women's Health and Genetics/Laboratory Corporation of America, LabCorp
Classification: Uncertain significance. Last evaluated: 2026-03-02. Review status: criteria provided, single submitter. Criteria: LabCorp Variant Classification Summary - May 2015. Collection method: clinical testing. Allele origin: germline.
Comment: Variant summary: SGPL1 c.1478G>A (p.Arg493Gln) results in a conservative amino acid change in the encoded protein sequence. Algorithms developed to predict the effect of missense changes on protein structure and function are either unavailable or do not agree on the potential impact of this missense change. The variant allele was found at a frequency of 2e-05 in 250992 control chromosomes. The available data on variant occurrences in the general population are insufficient to allow any conclusion about variant significance. To our knowledge, no occurrence of c.1478G>A in individuals affected with SGPL1-related conditions and no experimental evidence demonstrating its impact on protein function have been reported. No submitters have cited clinical-significance assessments for this variant to ClinVar. Based on the evidence outlined above, the variant was classified as uncertain significance.

NM_003901.4(SGPL1):c.1478G>A (p.Arg493Gln)

Gene: SGPL1 (sphingosine-1-phosphate lyase 1; plus strand). Cytogenetic location: 10q22.1.
Variant type: single nucleotide variant.
Coding change: c.1478G>A on transcript NM_003901.4 (MANE Select); coding-DNA position 1478, G replaced by A.
Protein change: p.Arg493Gln; replaces arginine 493 with glutamine.
Molecular consequence: missense variant. On other transcripts: non-coding transcript variant (1).
Genome position (GRCh38, 1-based): chr10:70,876,573, G>A. VCF-style: chr10-70876573-G-A. GRCh37 (hg19) VCF-style: chr10-72636330-G-A.
Other names: c.1238G>A, p.Arg413Gln (NM_001437828.1); c.1511G>A, p.Arg504Gln (NM_001438353.1); c.1478G>A, p.Arg493Gln (NM_001438354.1, NM_001438355.1, NM_001438356.1 and 1 more transcripts); short protein forms R413Q, R493Q, R504Q.
Identifiers: ClinVar variation 4847553 (VCV004847553.1).